The following is an entry in ClinVar:

NM_006421.5(ARFGEF1):c.2851-1G>T

Gene: ARFGEF1 (ARF guanine nucleotide exchange factor 1; minus strand). Cytogenetic location: 8q13.2.
Variant type: single nucleotide variant.
Coding change: c.2851-1G>T on transcript NM_006421.5 (MANE Select); the canonical splice acceptor site of the intron before coding-DNA position 2851, G replaced by T.
Molecular consequence: splice acceptor variant.
Genome position (GRCh38, 1-based): chr8:67,240,291, C>A on the plus strand (G>T on the coding strand, the complement: ARFGEF1 is on the minus strand). VCF-style: chr8-67240291-C-A. GRCh37 (hg19) VCF-style: chr8-68152526-C-A.
Other names: c.2851-1G>T (NM_001413186.1, NM_001413187.1, NM_001413185.1 and 6 more transcripts); c.2251-1G>T (NM_001413188.1, NM_001413197.1, NM_001413193.1); c.1426-1G>T (NM_001413196.1); c.2845-1G>T (NM_001413190.1).
Identifiers: ClinVar variation 2500329 (VCV002500329.1), dbSNP rs2491465476, ClinGen allele CA371209541.

ClinVar aggregate classification (germline): Likely pathogenic (1 of 4 stars; one submission).

Conditions:
Developmental delay, impaired speech, and behavioral abnormalities, with or without seizures (DEDISB). Identifiers: MedGen C5575272, MONDO:0859263, OMIM 619964.

Submission:

Institute of Human Genetics, University of Leipzig Medical Center
Classification: Likely pathogenic for Developmental delay, impaired speech, and behavioral abnormalities, with or without seizures. Last evaluated: 2023-02-20. Review status: criteria provided, single submitter. Criteria: ACMG Guidelines, 2015. Collection method: clinical testing. Allele origin: unknown. Affected: yes.
Comment: _x000D_ Criteria applied: PVS1, PM2_SUP